The following is an entry in ClinVar:

NM_170606.3(KMT2C):c.11071C>A (p.Gln3691Lys)

Gene: KMT2C (lysine methyltransferase 2C; minus strand). Cytogenetic location: 7q36.1.
Variant type: single nucleotide variant.
Coding change: c.11071C>A on transcript NM_170606.3 (MANE Select); coding-DNA position 11071, C replaced by A.
Protein change: p.Gln3691Lys; replaces glutamine 3691 with lysine.
Molecular consequence: missense variant.
Genome position (GRCh38, 1-based): chr7:152,162,506, G>T on the plus strand (C>A on the coding strand, the complement: KMT2C is on the minus strand). VCF-style: chr7-152162506-G-T. GRCh37 (hg19) VCF-style: chr7-151859591-G-T.
Other names: short protein forms Q3691K.
Identifiers: ClinVar variation 3252845 (VCV003252845.1), dbSNP rs2129103807.

ClinVar aggregate classification (germline): Uncertain significance (1 of 4 stars; one submission).

Submission:

GeneDx
Classification: Uncertain significance. Last evaluated: 2023-12-09. Review status: criteria provided, single submitter. Criteria: GeneDx Variant Classification Process June 2021. Collection method: clinical testing. Allele origin: germline. Affected: yes.
Comment: Not observed at significant frequency in large population cohorts (gnomAD); In silico analysis supports that this missense variant does not alter protein structure/function; Has not been previously published as pathogenic or benign to our knowledge